The following is an entry in ClinVar:

NM_004655.4(AXIN2):c.801dup (p.Asp268Ter)

Gene: AXIN2 (axin 2; minus strand). Cytogenetic location: 17q24.1.
Variant type: Duplication.
Coding change: c.801dup on transcript NM_004655.4 (MANE Select); coding-DNA position 801, one base duplicated (T; older notation c.801dupT).
Protein change: p.Asp268Ter; replaces aspartic acid 268 with a stop codon.
Molecular consequence: nonsense.
Genome position (GRCh38, 1-based): chr17:65,557,820, A duplicated on the plus strand (T on the coding strand, the reverse complement: AXIN2 is on the minus strand); the first of 2 consecutive A bases (chr17:65,557,820-65,557,821); duplicating either gives the same sequence. VCF-style (leftmost placement, unchanged base first): chr17-65557819-C-CA. GRCh37 (hg19) VCF-style: chr17-63553937-C-CA.
Other names: c.801dup, p.Asp268Ter (NM_001363813.1); short protein forms D268*.
Identifiers: ClinVar variation 1370729 (VCV001370729.9), dbSNP rs2144581824, ClinGen allele CA2573154869.

ClinVar aggregate classification (germline): Pathogenic. Review status: criteria provided, multiple submitters, no conflicts (2 of 4 stars). 2 submissions from 2 submitters: Pathogenic (2). Last evaluated 2025-06-20.

Conditions:
Hereditary cancer-predisposing syndrome. Also called: Neoplastic Syndromes, Hereditary; Tumor predisposition; Hereditary neoplastic syndrome; Hereditary Cancer Syndrome. Identifiers: Orphanet 140162, MedGen C0027672, MeSH D009386, MONDO:0015356.
Oligodontia-cancer predisposition syndrome. Also called: TOOTH AGENESIS-COLORECTAL CANCER SYNDROME. Identifiers: Orphanet 300576, MedGen C1837750, MONDO:0012075, OMIM 608615. Disease mechanism: loss of function.

Submissions (2):

Ambry Genetics
Classification: Pathogenic for Hereditary cancer-predisposing syndrome. Last evaluated: 2025-06-20. Review status: criteria provided, single submitter. Criteria: Ambry Variant Classification Scheme 2023. Collection method: clinical testing. Allele origin: germline.
Comment: The c.801dupT pathogenic mutation, located in coding exon 1 of the AXIN2 gene, results from a duplication of T at nucleotide position 801, causing a translational frameshift with a predicted alternate stop codon (p.D268*). This variant is considered to be rare based on population cohorts in the Genome Aggregation Database (gnomAD). This alteration is expected to result in loss of function by premature protein truncation or nonsense-mediated mRNA decay. As such, this alteration is interpreted as a disease-causing mutation.

Labcorp Genetics (formerly Invitae), Labcorp
Classification: Pathogenic for Oligodontia-cancer predisposition syndrome. Last evaluated: 2021-06-11. Review status: criteria provided, single submitter. Criteria: Invitae Variant Classification Sherloc (09022015). Collection method: clinical testing. Allele origin: germline.
Comment: This sequence change creates a premature translational stop signal (p.Asp268*) in the AXIN2 gene. It is expected to result in an absent or disrupted protein product. Loss-of-function variants in AXIN2 are known to be pathogenic (PMID: 15042511, 21416598). This variant is not present in population databases (ExAC no frequency). This variant has not been reported in the literature in individuals with AXIN2-related conditions. For these reasons, this variant has been classified as Pathogenic.

Literature cited by the submitters: PubMed 15042511 (cited by Labcorp Genetics (formerly Invitae), Labcorp); PubMed 21416598 (cited by Labcorp Genetics (formerly Invitae), Labcorp).